The following is an entry in ClinVar:

NM_004415.4(DSP):c.8203G>A (p.Gly2735Ser)

Gene: DSP (desmoplakin; plus strand). Cytogenetic location: 6p24.3.
Variant type: single nucleotide variant.
Coding change: c.8203G>A on transcript NM_004415.4 (MANE Select); coding-DNA position 8203, G replaced by A.
Protein change: p.Gly2735Ser; replaces glycine 2735 with serine.
Molecular consequence: missense variant.
Genome position (GRCh38, 1-based): chr6:7,585,465, G>A. VCF-style: chr6-7585465-G-A. GRCh37 (hg19) VCF-style: chr6-7585698-G-A.
Other names: c.6406G>A, p.Gly2136Ser (NM_001008844.3); c.6874G>A, p.Gly2292Ser (NM_001319034.2); short protein forms G2136S, G2292S, G2735S.
Identifiers: ClinVar variation 3755163 (VCV003755163.2).

ClinVar aggregate classification (germline): Uncertain significance (1 of 4 stars; one submission).

Conditions:
Arrhythmogenic right ventricular dysplasia 8 (ARVD8). Also called: Arrhythmogenic Right Ventricular Dysplasia/Cardiomyopathy 8; ARRHYTHMOGENIC RIGHT VENTRICULAR DYSPLASIA, FAMILIAL, 8; ARRHYTHMOGENIC RIGHT VENTRICULAR CARDIOMYOPATHY 8. Identifiers: MedGen C1843896, MONDO:0011831, OMIM 607450.
Arrhythmogenic cardiomyopathy with wooly hair and keratoderma. Also called: PALMOPLANTAR KERATODERMA WITH LEFT VENTRICULAR CARDIOMYOPATHY AND WOOLLY HAIR; Carvajal syndrome; Dilated cardiomyopathy with woolly hair and keratoderma; Arrhythmogenic cardiomyopathy with woolly hair and keratoderma. Identifiers: Orphanet 65282, MedGen C1854063, MONDO:0011581, OMIM 605676.

gnomAD v4.1: 3 of 1,614,038 alleles (0.00019%); highest among the groups gnomAD compares: African/African-American, 0.004%; no homozygotes.

Submission:

Labcorp Genetics (formerly Invitae), Labcorp
Classification: Uncertain significance for Arrhythmogenic cardiomyopathy with wooly hair and keratoderma; Arrhythmogenic right ventricular dysplasia 8. Last evaluated: 2025-05-25. Review status: criteria provided, single submitter. Criteria: Invitae Variant Classification Sherloc (09022015). Collection method: clinical testing. Allele origin: germline.
Comment: This sequence change replaces glycine, which is neutral and non-polar, with serine, which is neutral and polar, at codon 2735 of the DSP protein (p.Gly2735Ser). This variant is not present in population databases (gnomAD no frequency). This variant has not been reported in the literature in individuals affected with DSP-related conditions. ClinVar contains an entry for this variant (Variation ID: 3755163). An algorithm developed to predict the effect of missense changes on protein structure and function (PolyPhen-2) suggests that this variant is likely to be disruptive. In summary, the available evidence is currently insufficient to determine the role of this variant in disease. Therefore, it has been classified as a Variant of Uncertain Significance.